The following is an entry in ClinVar:

NM_000179.2(MSH6):c.-118G>A

Genes: MSH6 (mutS homolog 6; plus strand), LOC129933706 (ATAC-STARR-seq lymphoblastoid silent region 11467; plus strand). Cytogenetic location: 2p16.3.
Variant type: single nucleotide variant.
Coding change: c.-118G>A on transcript NM_000179.2; 118 bases upstream of the start codon, G replaced by A.
Genome position (GRCh38, 1-based): chr2:47,783,116, G>A. VCF-style: chr2-47783116-G-A. GRCh37 (hg19) VCF-style: chr2-48010255-G-A.
Identifiers: ClinVar variation 336435 (VCV000336435.16), dbSNP rs556432240, ClinGen allele CA10613587.

ClinVar aggregate classification (germline): Likely benign. Review status: criteria provided, multiple submitters, no conflicts (2 of 4 stars). 3 submissions from 3 submitters: Likely benign (3). Last evaluated 2026-09-01.

Conditions:
Lynch syndrome 5 (LYNCH5). Also called: Colorectal cancer, hereditary nonpolyposis, type 5; Hereditary non-polyposis colorectal cancer, type 5. Identifiers: Orphanet 144, MedGen C1833477, MONDO:0013710, OMIM 614350. Disease mechanism: loss of function.

Allele frequency attached by ClinVar (database versions not stated): TOPMed 0.00257; gnomAD exomes 0.00263; gnomAD 0.00214 and 0.00203; 1000 Genomes Project 0.00220; 1000 Genomes Project 30x 0.00219.

Submissions (3):

CeGaT Center for Human Genetics Tuebingen
Classification: Likely benign. Last evaluated: 2026-09-01. Review status: criteria provided, single submitter. Criteria: CeGaT Center For Human Genetics Tuebingen Variant Classification Criteria Version 2. Collection method: clinical testing. Allele origin: germline. Affected: yes. Observed: 15 variant alleles.
Comment: MSH6: BS2

Illumina Laboratory Services, Illumina
Classification: Likely benign for Lynch syndrome 5. Last evaluated: 2018-01-13. Review status: criteria provided, single submitter. Criteria: ICSL Variant Classification Criteria 13 December 2019. Collection method: clinical testing. Allele origin: germline.
Comment: This variant was observed in the ICSL laboratory as part of a predisposition screen in an ostensibly healthy population. It had not been previously curated by ICSL or reported in the Human Gene Mutation Database (HGMD: prior to June 1st, 2018), and was therefore a candidate for classification through an automated scoring system. Utilizing variant allele frequency, disease prevalence and penetrance estimates, and inheritance mode, an automated score was calculated to assess if this variant is too frequent to cause the disease. Based on the score and internal cut-off values, a variant classified as likely benign is not then subjected to further curation. The score for this variant resulted in a classification of likely benign for this disease.

Breakthrough Genomics
Classification: Likely benign. Review status: criteria provided, single submitter. Criteria: ACMG Guidelines, 2015. Collection method: not provided. Allele origin: germline. Inheritance: Autosomal recessive inheritance. Affected: yes.